The following is an entry in ClinVar:

NM_001235.5(SERPINH1):c.693C>T (p.Thr231=)

Gene: SERPINH1 (serpin family H member 1; plus strand). Cytogenetic location: 11q13.5.
Variant type: single nucleotide variant.
Coding change: c.693C>T on transcript NM_001235.5 (MANE Select); coding-DNA position 693, C replaced by T.
Protein change: p.Thr231=; no amino-acid change (threonine 231 retained).
Molecular consequence: synonymous variant.
Genome position (GRCh38, 1-based): chr11:75,568,801, C>T. VCF-style: chr11-75568801-C-T. GRCh37 (hg19) VCF-style: chr11-75279846-C-T.
Other names: p.Thr231=; c.693C>T, p.Thr231= (NM_001207014.3); c.693C>T (NM_001235.4).
Identifiers: ClinVar variation 306107 (VCV000306107.21), dbSNP rs649257, ClinGen allele CA6190889.
Genomic context (GRCh38, chr11:75,568,801, plus strand): 5'-TGAGAAATTCCACCACAAGATGGTGGACAACCGTGGCTTCATGGTGACTCGGTCCTATAC[C>T]GTGGGTGTCATGATGATGCACCGGACAGGTAGGTGCTGTGAGGAGCAGGGTGTCAAGGTG-3'
Protein context (NP_001226.2, residues 221-241): NRGFMVTRSY[Thr231=]VGVMMMHRTG

ClinVar aggregate classification (germline): Benign. Review status: criteria provided, multiple submitters, no conflicts (2 of 4 stars). 9 submissions from 9 submitters: Benign (7). 2 of the submissions do not count toward it. Last evaluated 2026-02-04.

Conditions:
Osteogenesis imperfecta type 10 (OI10). Also called: OI, TYPE X. Identifiers: Orphanet 666, MedGen C3151211, MONDO:0013459, OMIM 613848.

Allele frequency attached by ClinVar (database versions not stated): gnomAD exomes 0.31836 and 0.34414; ExAC 0.34762; ESP Exome Variant Server 0.35192; TOPMed 0.35691; gnomAD 0.36061 and 0.36213; 1000 Genomes Project 0.37700; 1000 Genomes Project 30x 0.37742.

Submissions (9):

Labcorp Genetics (formerly Invitae), Labcorp
Classification: Benign. Last evaluated: 2026-02-04. Review status: criteria provided, single submitter. Criteria: Invitae Variant Classification Sherloc (09022015). Collection method: clinical testing. Allele origin: germline.

Blueprint Genetics
Classification: Benign. Last evaluated: 2024-11-27. Review status: criteria provided, single submitter. Criteria: ACMG Guidelines, 2015. Collection method: clinical testing. Allele origin: germline.

Mayo Clinic Laboratories, Mayo Clinic
Classification: Benign. Last evaluated: 2022-04-26. Review status: criteria provided, single submitter. Criteria: ACMG Guidelines, 2015. Collection method: clinical testing. Allele origin: germline. Observed: 59 variant alleles.

Genome-Nilou Lab
Classification: Benign for Osteogenesis imperfecta type 10. Last evaluated: 2021-07-15. Review status: criteria provided, single submitter. Criteria: ACMG Guidelines, 2015. Collection method: clinical testing. Allele origin: germline. Affected: no.

Illumina Laboratory Services, Illumina
Classification: Benign for Osteogenesis imperfecta type 10. Last evaluated: 2018-01-13. Review status: criteria provided, single submitter. Criteria: ICSL Variant Classification Criteria 13 December 2019. Collection method: clinical testing. Allele origin: germline.
Comment: This variant was observed in the ICSL laboratory as part of a predisposition screen in an ostensibly healthy population. It had not been previously curated by ICSL or reported in the Human Gene Mutation Database (HGMD: prior to June 1st, 2018), and was therefore a candidate for classification through an automated scoring system. Utilizing variant allele frequency, disease prevalence and penetrance estimates, and inheritance mode, an automated score was calculated to assess if this variant is too frequent to cause the disease. Based on the score and internal cut-off values, a variant classified as benign is not then subjected to further curation. The score for this variant resulted in a classification of benign for this disease.

GeneDx
Classification: Benign. Last evaluated: 2017-06-09. Review status: criteria provided, single submitter. Criteria: GeneDx Variant Classification (06012015). Collection method: clinical testing. Allele origin: germline. Affected: yes.
Comment: This variant is considered likely benign or benign based on one or more of the following criteria: it is a conservative change, it occurs at a poorly conserved position in the protein, it is predicted to be benign by multiple in silico algorithms, and/or has population frequency not consistent with disease.

Breakthrough Genomics
Classification: Benign. Review status: criteria provided, single submitter. Criteria: ACMG Guidelines, 2015. Collection method: not provided. Allele origin: germline. Inheritance: Multifactorial inheritance. Affected: yes.

Diagnostic Laboratory, Department of Genetics, University Medical Center Groningen
Classification: Benign. Review status: no assertion criteria provided. Collection method: clinical testing. Allele origin: germline. Affected: yes. Study: VKGL Data-share Consensus. Not counted in ClinVar's aggregate classification.

Genome Diagnostics Laboratory, Amsterdam University Medical Center
Classification: Benign. Review status: no assertion criteria provided. Collection method: clinical testing. Allele origin: germline. Affected: yes. Study: VKGL Data-share Consensus. Not counted in ClinVar's aggregate classification.